The following is an entry in ClinVar:

NM_005562.3(LAMC2):c.371C>T (p.Thr124Met)

Gene: LAMC2 (laminin subunit gamma 2; plus strand). Cytogenetic location: 1q25.3.
Variant type: single nucleotide variant.
Coding change: c.371C>T on transcript NM_005562.3 (MANE Select); coding-DNA position 371, C replaced by T.
Protein change: p.Thr124Met; replaces threonine 124 with methionine.
Molecular consequence: missense variant.
Genome position (GRCh38, 1-based): chr1:183,215,555, C>T. VCF-style: chr1-183215555-C-T. GRCh37 (hg19) VCF-style: chr1-183184690-C-T.
Other names: c.371C>T, p.Thr124Met (NM_018891.3); short protein forms T124M.
Identifiers: ClinVar variation 293990 (VCV000293990.20), dbSNP rs11586699, ClinGen allele CA1282308.
Genomic context (GRCh38, chr1:183,215,555, plus strand): 5'-GTAAACCAGGTGTGACAGGAGCCAGATGCGACCGATGTCTGCCAGGCTTCCACATGCTCA[C>T]GGATGCGGGGTGCACCCAAGACCAGAGACTGCTGTGAGTATTTGCATCCCACCATGGCTG-3'
Protein context (NP_005553.2, residues 114-134): DRCLPGFHML[Thr124Met]DAGCTQDQRL

ClinVar aggregate classification (germline): Benign. Review status: criteria provided, multiple submitters, no conflicts (2 of 4 stars). 6 submissions from 5 submitters: Benign (6). Last evaluated 2026-02-04.

Conditions:
Junctional epidermolysis bullosa. Identifiers: Orphanet 305, MedGen C0079301, MONDO:0017612.
Junctional epidermolysis bullosa gravis of Herlitz. Also called: EPIDERMOLYSIS BULLOSA JUNCTIONALIS, HERLITZ TYPE; EPIDERMOLYSIS BULLOSA, JUNCTIONAL, HERLITZ-PEARSON TYPE; JEB-HERLITZ TYPE; Epidermolysis Bullosa Letalis; Herlitz-type junctional epidermolysis bullosa; EPIDERMOLYSIS BULLOSA, JUNCTIONAL 1B, SEVERE. Identifiers: Orphanet 79404, MedGen C0079683, MONDO:0009182, OMIM 226700.
Junctional epidermolysis bullosa, non-Herlitz type. Also called: EPIDERMOLYSIS BULLOSA JUNCTIONALIS, DISENTIS TYPE; EPIDERMOLYSIS BULLOSA JUNCTIONALIS, NON-HERLITZ TYPE; EPIDERMOLYSIS BULLOSA JUNCTIONALIS, PROGRESSIVE; EPIDERMOLYSIS BULLOSA JUNCTIONALIS, SEVERE NONLETHAL; Adult junctional epidermolysis bullosa; Epidermolysis bullosa, junctional, non-herlitz type, somatic mosaic revertant. Identifiers: Orphanet 251393, Orphanet 79402, Orphanet 79405, Orphanet 89840, MedGen C0268374, MONDO:0009180, OMIM 226650.

Allele frequency attached by ClinVar (database versions not stated): 1000 Genomes Project 30x 0.04044; 1000 Genomes Project 0.04093; gnomAD 0.05840 and 0.05864; TOPMed 0.06290; ESP Exome Variant Server 0.06520; ExAC 0.06564; gnomAD exomes 0.06675 and 0.07616.
gnomAD v4.1: 120,738 of 1,614,054 alleles (7.5%); highest among the groups gnomAD compares: Middle Eastern, 18%; 5,338 homozygotes.

Submissions (6):

Labcorp Genetics (formerly Invitae), Labcorp
Classification: Benign. Last evaluated: 2026-02-04. Review status: criteria provided, single submitter. Criteria: Invitae Variant Classification Sherloc (09022015). Collection method: clinical testing. Allele origin: germline.

Genome-Nilou Lab
Classification: Benign for Junctional epidermolysis bullosa gravis of Herlitz. Last evaluated: 2021-07-08. Review status: criteria provided, single submitter. Criteria: ACMG Guidelines, 2015. Collection method: clinical testing. Allele origin: germline. Affected: no.

Genome-Nilou Lab
Classification: Benign for Junctional epidermolysis bullosa, non-Herlitz type. Last evaluated: 2021-07-08. Review status: criteria provided, single submitter. Criteria: ACMG Guidelines, 2015. Collection method: clinical testing. Allele origin: germline. Affected: no.

Illumina Laboratory Services, Illumina
Classification: Benign for Junctional epidermolysis bullosa. Last evaluated: 2018-01-13. Review status: criteria provided, single submitter. Criteria: ICSL Variant Classification Criteria 13 December 2019. Collection method: clinical testing. Allele origin: germline.
Comment: This variant was observed in the ICSL laboratory as part of a predisposition screen in an ostensibly healthy population. It had not been previously curated by ICSL or reported in the Human Gene Mutation Database (HGMD: prior to June 1st, 2018), and was therefore a candidate for classification through an automated scoring system. Utilizing variant allele frequency, disease prevalence and penetrance estimates, and inheritance mode, an automated score was calculated to assess if this variant is too frequent to cause the disease. Based on the score and internal cut-off values, a variant classified as benign is not then subjected to further curation. The score for this variant resulted in a classification of benign for this disease.

GeneDx
Classification: Benign. Last evaluated: 2015-03-03. Review status: criteria provided, single submitter. Criteria: GeneDx Variant Classification Process June 2021. Collection method: clinical testing. Allele origin: germline. Affected: yes.

Breakthrough Genomics
Classification: Benign. Review status: criteria provided, single submitter. Criteria: ACMG Guidelines, 2015. Collection method: not provided. Allele origin: germline. Inheritance: Autosomal recessive inheritance. Affected: yes.